The following is an entry in ClinVar:

ClinVar aggregate classification (germline): Pathogenic (1 of 4 stars; one submission).

Conditions:
Popliteal pterygium syndrome (PPS). Identifiers: Orphanet 294963, MedGen C0265259, MONDO:0017435.
Orofacial cleft 6, susceptibility to (OFC6). Also called: CLEFT LIP WITH OR WITHOUT CLEFT PALATE, NONSYNDROMIC, 6. Identifiers: MedGen C1837213, MONDO:0012141, OMIM 608864.
Van der Woude syndrome. Identifiers: Orphanet 888, MedGen C0175697, MONDO:0019508.

Submission:

Labcorp Genetics (formerly Invitae), Labcorp
Classification: Pathogenic for Orofacial cleft 6, susceptibility to; Van der Woude syndrome; Popliteal pterygium syndrome. Last evaluated: 2023-12-06. Review status: criteria provided, single submitter. Criteria: Invitae Variant Classification Sherloc (09022015). Collection method: clinical testing. Allele origin: germline.
Comment: This sequence change affects an acceptor splice site in intron 7 of the IRF6 gene. It is expected to disrupt RNA splicing. Variants that disrupt the donor or acceptor splice site typically lead to a loss of protein function (PMID: 16199547), and loss-of-function variants in IRF6 are known to be pathogenic (PMID: 19282774, 23949966). This variant is not present in population databases (gnomAD no frequency). Disruption of this splice site has been observed in individual(s) with clinical features of van der Woude syndrome (Invitae). In at least one individual the variant was observed to be de novo. ClinVar contains an entry for this variant (Variation ID: 2104432). Algorithms developed to predict the effect of sequence changes on RNA splicing suggest that this variant may disrupt the consensus splice site. For these reasons, this variant has been classified as Pathogenic.

Literature cited by the submitters: PubMed 16199547; PubMed 19282774; PubMed 23949966.

NM_006147.4(IRF6):c.1061-1G>T

Gene: IRF6 (interferon regulatory factor 6; minus strand). Cytogenetic location: 1q32.2.
Variant type: single nucleotide variant.
Coding change: c.1061-1G>T on transcript NM_006147.4 (MANE Select); the canonical splice acceptor site of the intron before coding-DNA position 1061, G replaced by T.
Molecular consequence: splice acceptor variant.
Genome position (GRCh38, 1-based): chr1:209,789,786, C>A on the plus strand (G>T on the coding strand, the complement: IRF6 is on the minus strand). VCF-style: chr1-209789786-C-A. GRCh37 (hg19) VCF-style: chr1-209963131-C-A.
Other names: c.776-1G>T (NM_001206696.2).
Identifiers: ClinVar variation 2104432 (VCV002104432.4), dbSNP rs2464667462, ClinGen allele CA344574945.